The following is an entry in ClinVar:

NM_080680.3(COL11A2):c.538C>T (p.Arg180Cys)

Gene: COL11A2 (collagen type XI alpha 2 chain; minus strand). Cytogenetic location: 6p21.32.
Variant type: single nucleotide variant.
Coding change: c.538C>T on transcript NM_080680.3 (MANE Select); coding-DNA position 538, C replaced by T.
Protein change: p.Arg180Cys; replaces arginine 180 with cysteine.
Molecular consequence: missense variant.
Genome position (GRCh38, 1-based): chr6:33,188,430, G>A on the plus strand (C>T on the coding strand, the complement: COL11A2 is on the minus strand). VCF-style: chr6-33188430-G-A. GRCh37 (hg19) VCF-style: chr6-33156207-G-A.
Other names: c.538C>T, p.Arg180Cys (NM_001163771.2, NM_080679.3, NM_080681.3); c.538C>T (NM_080680.2); short protein forms R180C.
Identifiers: ClinVar variation 1430709 (VCV001430709.7), dbSNP rs775636045, ClinGen allele CA3751641.

ClinVar aggregate classification (germline): Uncertain significance. Review status: criteria provided, multiple submitters, no conflicts (2 of 4 stars). 3 submissions from 3 submitters: Uncertain significance (3). Last evaluated 2025-11-10.

Conditions:
COL11A2-related disorder. Also called: COL11A2-related disorders; COL11A2-related condition.

Allele frequency attached by ClinVar (database versions not stated): gnomAD exomes below 0.00001 and 0.00001; ExAC 0.00001; gnomAD 0.00002; TOPMed 0.00003.
gnomAD v4.1: 23 of 1,612,884 alleles (0.0014%); highest among the groups gnomAD compares: Middle Eastern, 0.016%; no homozygotes.

Submissions (3):

PreventionGenetics, part of Exact Sciences
Classification: Uncertain significance for COL11A2-related condition. Last evaluated: 2025-11-10. Review status: criteria provided, single submitter. Criteria: ACMG Guidelines, 2015. Collection method: clinical testing. Allele origin: germline.
Comment: The COL11A2 c.538C>T variant is predicted to result in the amino acid substitution p.Arg180Cys. To our knowledge, this variant has not been reported in the literature. This variant is reported in 0.0050% of alleles in individuals of East Asian descent in gnomAD. At this time, the clinical significance of this variant is uncertain due to the absence of conclusive functional and genetic evidence.

Labcorp Genetics (formerly Invitae), Labcorp
Classification: Uncertain significance. Last evaluated: 2025-09-30. Review status: criteria provided, single submitter. Criteria: Invitae Variant Classification Sherloc (09022015). Collection method: clinical testing. Allele origin: germline.
Comment: This sequence change replaces arginine, which is basic and polar, with cysteine, which is neutral and slightly polar, at codon 180 of the COL11A2 protein (p.Arg180Cys). This variant is present in population databases (rs775636045, gnomAD 0.005%). This variant has not been reported in the literature in individuals affected with COL11A2-related conditions. ClinVar contains an entry for this variant (Variation ID: 1430709). Invitae Evidence Modeling of protein sequence and biophysical properties (such as structural, functional, and spatial information, amino acid conservation, physicochemical variation, residue mobility, and thermodynamic stability) indicates that this missense variant is not expected to disrupt COL11A2 protein function with a negative predictive value of 95%. In summary, the available evidence is currently insufficient to determine the role of this variant in disease. Therefore, it has been classified as a Variant of Uncertain Significance.

Blueprint Genetics
Classification: Uncertain significance. Last evaluated: 2024-06-13. Review status: criteria provided, single submitter. Criteria: ACMG Guidelines, 2015. Collection method: clinical testing. Allele origin: germline.